The following is an entry in ClinVar:

NM_000548.5(TSC2):c.993del (p.Asn331fs)

Gene: TSC2 (TSC complex subunit 2; plus strand). Cytogenetic location: 16p13.3.
Variant type: Deletion.
Coding change: c.993del on transcript NM_000548.5 (MANE Select); coding-DNA position 993, one base deleted (C; older notation c.993delC).
Protein change: p.Asn331fs; shifts the reading frame from asparagine 331.
Molecular consequence: frameshift variant.
Genome position (GRCh38, 1-based): chr16:2,060,687, C deleted. VCF-style (leftmost placement, unchanged base first): chr16-2060686-AC-A. GRCh37 (hg19) VCF-style: chr16-2110687-AC-A.
Other names: c.993del, p.Asn331fs (NM_001363528.2, NM_001370404.1, NM_001370405.1 and 3 more transcripts); c.882del, p.Asn294fs (NM_001318827.2); c.846del, p.Asn282fs (NM_001318829.2); c.393del, p.Asn131fs (NM_001318831.2); c.1026del, p.Asn342fs (NM_001318832.2); short protein forms N294fs, N331fs, N342fs, N282fs, N131fs.
Identifiers: ClinVar variation 640095 (VCV000640095.1), dbSNP rs1596298137, ClinGen allele CA915946231.

ClinVar aggregate classification (germline): Pathogenic (1 of 4 stars; one submission).

Conditions:
Tuberous sclerosis 2 (TSC2). Identifiers: Orphanet 805, MedGen C1860707, MONDO:0013199, OMIM 613254.

Submission:

Labcorp Genetics (formerly Invitae), Labcorp
Classification: Pathogenic for Tuberous sclerosis 2. Last evaluated: 2018-12-21. Review status: criteria provided, single submitter. Criteria: Invitae Variant Classification Sherloc (09022015). Collection method: clinical testing. Allele origin: germline.
Comment: This sequence change creates a premature translational stop signal (p.Asn331Lysfs*32) in the TSC2 gene. It is expected to result in an absent or disrupted protein product. This variant is not present in population databases (ExAC no frequency). This variant has not been reported in the literature in individuals with TSC2-related conditions. Loss-of-function variants in TSC2 are known to be pathogenic (PMID: 10205261, 17304050). For these reasons, this variant has been classified as Pathogenic.